The following is an entry in ClinVar:

NM_000127.3(EXT1):c.1418-2A>G

Gene: EXT1 (exostosin glycosyltransferase 1; minus strand). Cytogenetic location: 8q24.11.
Variant type: single nucleotide variant.
Coding change: c.1418-2A>G on transcript NM_000127.3 (MANE Select); the canonical splice acceptor site of the intron before coding-DNA position 1418, A replaced by G.
Molecular consequence: splice acceptor variant.
Genome position (GRCh38, 1-based): chr8:117,819,796, T>C on the plus strand (A>G on the coding strand, the complement: EXT1 is on the minus strand). VCF-style: chr8-117819796-T-C. GRCh37 (hg19) VCF-style: chr8-118832035-T-C.
Identifiers: ClinVar variation 448898 (VCV000448898.15), dbSNP rs1554578802, ClinGen allele CA371885627.
Genomic context (GRCh38, chr8:117,819,796, plus strand): 5'-AGAGACCAGGGGGGTCACCGCATGGATGACTGCAGTGAATTTGGAGGGGGGCTTTAAACC[T>C]GAAATAAAAAGGAGAGTAGAGCCTAATGAAGCGCTGGAAAGCAAGACTTAGAAAATTACT-3'

ClinVar aggregate classification (germline): Pathogenic. Review status: criteria provided, multiple submitters, no conflicts (2 of 4 stars). 2 submissions from 2 submitters: Pathogenic (2). Last evaluated 2024-12-07.

Conditions:
Exostoses, multiple, type 1 (EXT1). Also called: EXOSTOSES, MULTIPLE, TYPE I; Hereditary Multiple Osteochondromatosis, Type I. Identifiers: MedGen CN263289, MONDO:0007585, OMIM 133700.
Multiple congenital exostosis (EXT). Also called: Multiple osteochondromas; MULTIPLE CARTILAGINOUS EXOSTOSES; Hereditary multiple osteochondromas; Multiple exostoses; Hereditary multiple exostoses; Hereditary multiple exostosis. Identifiers: Orphanet 321, MedGen C0015306, MONDO:0005508, HP:0002762.

Submissions (2):

Labcorp Genetics (formerly Invitae), Labcorp
Classification: Pathogenic for Multiple congenital exostosis. Last evaluated: 2024-12-07. Review status: criteria provided, single submitter. Criteria: Invitae Variant Classification Sherloc (09022015). Collection method: clinical testing. Allele origin: germline.
Comment: This sequence change affects an acceptor splice site in intron 5 of the EXT1 gene. It is expected to disrupt RNA splicing. Variants that disrupt the donor or acceptor splice site typically lead to a loss of protein function (PMID: 16199547), and loss-of-function variants in EXT1 are known to be pathogenic (PMID: 10679937, 11391482, 19810120). This variant is not present in population databases (gnomAD no frequency). Disruption of this splice site has been observed in individual(s) with multiple osteochondromas (PMID: 10713884, 17041877, 26515642). ClinVar contains an entry for this variant (Variation ID: 448898). Algorithms developed to predict the effect of sequence changes on RNA splicing suggest that this variant may disrupt the consensus splice site. For these reasons, this variant has been classified as Pathogenic.

GenePathDx, GenePath diagnostics
Classification: Pathogenic for Exostoses, multiple, type 1. Last evaluated: 2017-04-06. Review status: criteria provided, single submitter. Criteria: GenePathDx_Criteria_classificationV2. Collection method: clinical testing. Allele origin: germline. Inheritance: Autosomal dominant inheritance. Affected: yes. Observed: 1 variant allele, 1 heterozygote.

Literature cited by the submitters: PubMed 16199547 (cited by Labcorp Genetics (formerly Invitae), Labcorp); PubMed 10679937 (cited by Labcorp Genetics (formerly Invitae), Labcorp); PubMed 11391482 (cited by Labcorp Genetics (formerly Invitae), Labcorp); PubMed 19810120 (cited by Labcorp Genetics (formerly Invitae), Labcorp); PubMed 10713884 (cited by Labcorp Genetics (formerly Invitae), Labcorp and GenePathDx, GenePath diagnostics); PubMed 17041877 (cited by Labcorp Genetics (formerly Invitae), Labcorp); PubMed 26515642 (cited by Labcorp Genetics (formerly Invitae), Labcorp).